The following is an entry in ClinVar:

NM_001110556.2(FLNA):c.2022+3A>G

Gene: FLNA (filamin A; minus strand). Cytogenetic location: Xq28.
Variant type: single nucleotide variant.
Coding change: c.2022+3A>G on transcript NM_001110556.2 (MANE Select); 3 bases into the intron after coding-DNA position 2022, A replaced by G.
Molecular consequence: intron variant.
Genome position (GRCh38, 1-based): chrX:154,364,523, T>C on the plus strand (A>G on the coding strand, the complement: FLNA is on the minus strand). VCF-style: chrX-154364523-T-C. GRCh37 (hg19) VCF-style: chrX-153592891-T-C.
Other names: c.2022+3A>G (NM_001456.4).
Identifiers: ClinVar variation 2636311 (VCV002636311.1), dbSNP rs2522754453, ClinGen allele CA2695197203.

ClinVar aggregate classification (germline): Uncertain significance (1 of 4 stars; one submission).

Conditions:
FLNA-related disorder.

Submission:

PreventionGenetics, part of Exact Sciences
Classification: Uncertain significance for FLNA-related condition. Last evaluated: 2022-08-18. Review status: criteria provided, single submitter. Criteria: ACMG Guidelines, 2015. Collection method: clinical testing. Allele origin: germline.
Comment: The FLNA c.2022+3A>G variant is predicted to interfere with splicing. Splicing in silico algorithms predict that this alteration would nearly abolish the canonical splice donor site (Alamut Visual v2.11). To our knowledge, this variant has not been reported in the literature or in a large population database, indicating this variant is rare. Although we suspect that this variant may be pathogenic, at this time, the clinical significance of this variant is uncertain due to the absence of conclusive functional and genetic evidence.